The following is an entry in ClinVar:

NM_000256.3(MYBPC3):c.1858G>A (p.Gly620Ser)

Gene: MYBPC3 (myosin binding protein C3; minus strand). Cytogenetic location: 11p11.2.
Variant type: single nucleotide variant.
Coding change: c.1858G>A on transcript NM_000256.3 (MANE Select); coding-DNA position 1858, G replaced by A.
Protein change: p.Gly620Ser; replaces glycine 620 with serine.
Molecular consequence: missense variant.
Genome position (GRCh38, 1-based): chr11:47,341,177, C>T on the plus strand (G>A on the coding strand, the complement: MYBPC3 is on the minus strand). VCF-style: chr11-47341177-C-T. GRCh37 (hg19) VCF-style: chr11-47362728-C-T.
Other names: short protein forms G620S.
Identifiers: ClinVar variation 4758086 (VCV004758086.1).

ClinVar aggregate classification (germline): Uncertain significance (1 of 4 stars; one submission).

Conditions:
Cardiomyopathy (CMYO). Also called: Cardiomyopathies. Identifiers: Orphanet 167848, MedGen C0878544, MONDO:0004994, HP:0001638. Inheritance: Various modes of inheritance.

gnomAD v4.1: 1 of 1,594,650 alleles (0.000063%); no homozygotes.

Submission:

Color Diagnostics, LLC DBA Color Health
Classification: Uncertain significance for Cardiomyopathy. Last evaluated: 2025-09-29. Review status: criteria provided, single submitter. Criteria: ACMG Guidelines, 2015. Collection method: clinical testing. Allele origin: germline.
Comment: This missense variant replaces glycine with serine at codon 620 of the MYBPC3 protein. Computational prediction is inconclusive regarding the impact of this variant on protein structure and function. To our knowledge, functional studies have not been reported for this variant. This variant has not been reported in individuals affected with MYBPC3-related disorders in the literature. This variant has been identified in 1/1442308 chromosomes in the general population by the Genome Aggregation Database (gnomAD). The available evidence is insufficient to determine the role of this variant in disease conclusively. Therefore, this variant is classified as a Variant of Uncertain Significance.